The following is an entry in ClinVar:

ClinVar aggregate classification (germline): Pathogenic (1 of 4 stars; one submission).

Submission:

GeneDx
Classification: Pathogenic. Last evaluated: 2016-06-21. Review status: criteria provided, single submitter. Criteria: GeneDx Variant Classification (06012015). Collection method: clinical testing. Allele origin: germline. Affected: yes.
Comment: The Q262X pathogenic variant in the GNAS gene has not been reported previously as a pathogenic variant nor as a benign variant, to our knowledge. This variant is predicted to cause loss of normal protein function either through protein truncation or nonsense-mediated mRNA decay. The Q262X variant was not observed in approximately 6500 individuals of European and African American ancestry in the NHLBI Exome Sequencing Project, indicating it is not a common benign variant in these populations. Thus, we interpret Q262X as a pathogenic variant.

NM_000516.7(GNAS):c.784C>T (p.Gln262Ter)

Gene: GNAS (GNAS complex locus; plus strand). Cytogenetic location: 20q13.32.
Variant type: single nucleotide variant.
Coding change: c.784C>T on transcript NM_000516.7 (MANE Select); coding-DNA position 784, C replaced by T.
Protein change: p.Gln262Ter; replaces glutamine 262 with a stop codon.
Molecular consequence: nonsense. On other transcripts: 3 prime UTR variant (2).
Genome position (GRCh38, 1-based): chr20:58,909,749, C>T. VCF-style: chr20-58909749-C-T. GRCh37 (hg19) VCF-style: chr20-57484804-C-T.
Other names: c.787C>T, p.Gln263Ter (NM_001077488.5); c.739C>T, p.Gln247Ter (NM_001077489.4); c.*645C>T (NM_001077490.3); c.607C>T, p.Gln203Ter (NM_001309840.2, NM_001309861.2); c.*690C>T (NM_016592.5); c.2713C>T, p.Gln905Ter (NM_080425.4); c.742C>T, p.Gln248Ter (NM_080426.4); short protein forms Q262*, Q263*, Q905*, Q247*, Q203*, Q248*.
Identifiers: ClinVar variation 265625 (VCV000265625.2), dbSNP rs886039677, ClinGen allele CA10588702.